The following is an entry in ClinVar:

NM_000218.3(KCNQ1):c.815G>T (p.Gly272Val)

Gene: KCNQ1 (potassium voltage-gated channel subfamily Q member 1; plus strand). Cytogenetic location: 11p15.5.
Variant type: single nucleotide variant.
Coding change: c.815G>T on transcript NM_000218.3 (MANE Select); coding-DNA position 815, G replaced by T.
Protein change: p.Gly272Val; replaces glycine 272 with valine.
Molecular consequence: missense variant.
Genome position (GRCh38, 1-based): chr11:2,572,880, G>T. VCF-style: chr11-2572880-G-T. GRCh37 (hg19) VCF-style: chr11-2594110-G-T.
Other names: c.815G>T (LRG_287t1); c.815G>T, p.Gly272Val (NM_001406836.1); c.545G>T, p.Gly182Val (NM_001406837.1); c.434G>T, p.Gly145Val (NM_181798.2); short protein forms G272V, G145V, G182V.
Identifiers: ClinVar variation 67108 (VCV000067108.4), dbSNP rs199472726, ClinGen allele CA008323.

ClinVar aggregate classification (germline): Likely pathogenic. Review status: criteria provided, single submitter (1 of 4 stars). 2 submissions from 2 submitters: Likely pathogenic (1). 1 of the submissions does not count toward it. Last evaluated 2026-08-25.

Conditions:
Cardiovascular phenotype. Identifiers: MedGen CN230736.
Familial long QT syndrome (RWS). Also called: Congenital long QT syndrome; Romano-Ward syndrome; VENTRICULAR FIBRILLATION WITH PROLONGED QT INTERVAL. Identifiers: Orphanet 768, MedGen C1141890, MONDO:0019171.

gnomAD v4.1: 5 of 1,613,806 alleles (0.00031%); highest among the groups gnomAD compares: East Asian, 0.011%; no homozygotes.

Submissions (2):

Ambry Genetics
Classification: Likely pathogenic for Cardiovascular phenotype. Last evaluated: 2026-08-25. Review status: criteria provided, single submitter. Criteria: Ambry Variant Classification Scheme 2023. Collection method: clinical testing. Allele origin: germline.
Comment: The p.G272V variant (also known as c.815G>T), located in coding exon 6 of the KCNQ1 gene, results from a G to T substitution at nucleotide position 815. The glycine at codon 272 is replaced by valine, an amino acid with dissimilar properties. This variant was reported in at least one individual with long QT syndrome (Itoh H et al. Heart Rhythm, 2010 Oct;7:1411-8; Oka Y et al. Circ J, 2010 Nov;74:2562-71; Walsh R et al. Genet Med, 2021 Jan;23:47-58). Another variant at the same codon, p.G272D (c.815G>A), has been identified in individuals with long QT syndrome and Jervell Lange-Nielsen syndrome (Jeffery S et al. Lancet, 1992 Jan;339:255; Napolitano C et al. JAMA, 2005 Dec;294:2975-80). In an assay testing KCNQ1 function, this variant showed a functionally abnormal result (Oka Y et al. Circ J, 2010 Nov;74:2562-71). This amino acid position is well conserved in available vertebrate species. In addition, this alteration is predicted to be deleterious by in silico analysis. This variant is considered to be rare based on population cohorts in the Genome Aggregation Database (gnomAD). Based on the majority of available evidence to date, this variant is likely to be pathogenic.

Cardiovascular Biomedical Research Unit, Royal Brompton & Harefield NHS Foundation Trust
No classification provided. Condition: Familial long QT syndrome. Review status: no classification provided. Collection method: literature only. Allele origin: germline. Not counted in ClinVar's aggregate classification.
Comment: This variant has been reported as associated with Long QT syndrome in the following publications (PMID:20541041;PMID:20975234). This is a literature report, and does not necessarily reflect the clinical interpretation of the Imperial College / Royal Brompton Cardiovascular Genetics laboratory.

Literature cited by the submitters: PubMed 20541041 (cited by Ambry Genetics and Cardiovascular Biomedical Research Unit, Royal Brompton & Harefield NHS Foundation Trust); PubMed 20975234 (cited by Ambry Genetics and Cardiovascular Biomedical Research Unit, Royal Brompton & Harefield NHS Foundation Trust); PubMed 32893267 (cited by Ambry Genetics); PubMed 22581653 (cited by Cardiovascular Biomedical Research Unit, Royal Brompton & Harefield NHS Foundation Trust).